The following is an entry in ClinVar:

NM_000094.4(COL7A1):c.6527dup (p.Gly2177fs)

Gene: COL7A1 (collagen type VII alpha 1 chain; minus strand). Cytogenetic location: 3p21.31.
Variant type: Duplication.
Coding change: c.6527dup on transcript NM_000094.4 (MANE Select); coding-DNA position 6527, one base duplicated (C; older notation c.6527dupC).
Protein change: p.Gly2177fs; shifts the reading frame from glycine 2177.
Molecular consequence: frameshift variant.
Genome position (GRCh38, 1-based): chr3:48,573,865, G duplicated on the plus strand (C on the coding strand, the reverse complement: COL7A1 is on the minus strand); the first of 6 consecutive G bases (chr3:48,573,865-48,573,870); duplicating any one gives the same sequence. VCF-style (leftmost placement, unchanged base first): chr3-48573864-A-AG. GRCh37 (hg19) VCF-style: chr3-48611297-A-AG.
Other names: c.6527dupC (NM_000094.4, NM_000094.3); short protein forms G2177fs.
Identifiers: ClinVar variation 372345 (VCV000372345.47), dbSNP rs768128088, ClinGen allele CA2378969.
Genomic context (GRCh38, chr3:48,573,864, plus strand): 5'-GGGCAGGGCACAGGATGGGGGCAAGACAGGTGAAGGTTCTTGGGTACTCACCACTGGGCC[A>AG]GGGGGGCCTCTTGGACCCTGCAGACCCTACATAGAGAGGGCACTGATGAGCCTCAATCTG-3'

ClinVar aggregate classification (germline): Pathogenic. Review status: criteria provided, multiple submitters, no conflicts (2 of 4 stars). 14 submissions from 14 submitters: Pathogenic (14). Last evaluated 2026-01-18.

Conditions:
Epidermolysis bullosa dystrophica. Also called: Dystrophic epidermolysis bullosa; Dystrophic epidermolysis bullosa, Hallopeau-Siemens type (formerly). Identifiers: Orphanet 303, MedGen C0079294, MONDO:0006543.
Inborn genetic diseases. Identifiers: MedGen C0950123, MeSH D030342.
Recessive dystrophic epidermolysis bullosa (RDEB). Also called: Hallopeau-Siemens Disease; Recessive DEB (RDEB); epidermolysis bullosa dystrophica, autosomal recessive; Epidermolysis Bullosa Distrophica Autosomal Recessive (RDEB); EPIDERMOLYSIS BULLOSA DYSTROPHICA, GENERALIZED SEVERE, AUTOSOMAL RECESSIVE; DYSTROPHIC EPIDERMOLYSIS BULLOSA, AUTOSOMAL RECESSIVE. Identifiers: Orphanet 79408, Orphanet 79409, MedGen C0079474, MONDO:0009179, OMIM 226600.
Generalized dominant dystrophic epidermolysis bullosa (DDEB). Also called: Dominant DEB (DDEB); DDEB, generalized; DDEB-gen; DYSTROPHIC EPIDERMOLYSIS BULLOSA, AUTOSOMAL DOMINANT; Epidermolysis bullosa dystrophica, autosomal dominant. Identifiers: Orphanet 231568, MedGen C0432322, MONDO:0007549, OMIM 131750.
Transient bullous dermolysis of the newborn (TBDN). Also called: EPIDERMOLYSIS BULLOSA DYSTROPHICA, NEONATAL FORM; DYSTROPHIC EPIDERMOLYSIS BULLOSA, NEONATAL. Identifiers: Orphanet 79411, MedGen C1851573, MONDO:0007548, OMIM 131705.
Nonsyndromic congenital nail disorder 8. Also called: TOENAIL DYSTROPHY, ISOLATED. Identifiers: MedGen C1843761, MONDO:0011852, OMIM 607523.
Epidermolysis bullosa pruriginosa. Also called: DEB, PRURIGINOSA; DYSTROPHIC EPIDERMOLYSIS BULLOSA PRURIGINOSA. Identifiers: Orphanet 89843, MedGen C1275114, MONDO:0011398, OMIM 604129.
Pretibial dystrophic epidermolysis bullosa. Also called: Pretibial epidermolysis bullosa; EPIDERMOLYSIS BULLOSA DYSTROPHICA, PRETIBIAL; Pretibial blistering. Identifiers: Orphanet 79410, MedGen C0432321, MONDO:0007552, OMIM 131850, HP:0012221.
Dominant dystrophic epidermolysis bullosa with absence of skin. Also called: EPIDERMOLYSIS BULLOSA WITH CONGENITAL LOCALIZED ABSENCE OF SKIN AND DEFORMITY OF NAILS; EPIDERMOLYSIS BULLOSA DYSTROPHICA, BART TYPE. Identifiers: MedGen C0268371, MONDO:0007557, OMIM 132000.
COL7A1-related disorder. Also called: COL7A1- related disorders; COL7A1-related condition.

Submissions (14):

Labcorp Genetics (formerly Invitae), Labcorp
Classification: Pathogenic. Last evaluated: 2026-01-18. Review status: criteria provided, single submitter. Criteria: Invitae Variant Classification Sherloc (09022015). Collection method: clinical testing. Allele origin: germline.
Comment: This sequence change creates a premature translational stop signal (p.Gly2177Trpfs*113) in the COL7A1 gene. It is expected to result in an absent or disrupted protein product. Loss-of-function variants in COL7A1 are known to be pathogenic (PMID: 16971478). This variant is present in population databases (rs768128088, gnomAD 0.04%). This premature translational stop signal has been observed in individual(s) with autosomal recessive dystrophic epidermolysis bullosa (PMID: 9326325, 20920254). In at least one individual the data is consistent with being in trans (on the opposite chromosome) from a pathogenic variant. It is commonly reported in individuals of Spanish ancestry (PMID: 9326325, 20920254). ClinVar contains an entry for this variant (Variation ID: 372345). For these reasons, this variant has been classified as Pathogenic.

PreventionGenetics, part of Exact Sciences
Classification: Pathogenic for COL7A1-related condition. Last evaluated: 2025-11-14. Review status: criteria provided, single submitter. Criteria: ACMG Guidelines, 2015. Collection method: clinical testing. Allele origin: germline.
Comment: The COL7A1 c.6527dupC variant is predicted to result in a frameshift and premature protein termination (p.Gly2177Trpfs*113). This variant, also referred to as 6527insC, has been reported in the homozygous or compound heterozygous state in many unrelated individuals with dystrophic epidermolysis bullosa (for example, see Hovnanian et al. 1997. PubMed ID: 9326325; Cuadrado-Corrales et al. 2010. PubMed ID: 20920254; Table S2, Almaani et al. 2011. PubMed ID: 21448560). This variant is reported in 0.043% of alleles in individuals of Latino descent in gnomAD. Frameshift variants in COL7A1 are expected to be pathogenic. This variant is interpreted as pathogenic.

Natera, Inc.
Classification: Pathogenic for Dystrophic epidermolysis bullosa. Last evaluated: 2025-10-06. Review status: criteria provided, single submitter. Criteria: Natera Variant Classification Schema (03/2026). Collection method: clinical testing. Allele origin: germline.
Comment: The c.6527dupC variant in COL7A1 is a frameshift variant predicted to shift the reading frame beginning at codon 2177 and leads to a stop codon 113 codons downstream. This variant is expected to result in nonsense mediated decay, truncation, or a dysfunctional protein product. This variant has been observed in one or more individuals affected with the associated recessive disease, as either homozygous or compound heterozygous with a second variant (PMID: 20184583). Given the available evidence, this variant is classified as Pathogenic.

Blueprint Genetics
Classification: Pathogenic for COL7A1-related disorders. Last evaluated: 2024-09-07. Review status: criteria provided, single submitter. Criteria: ACMG Guidelines, 2015. Collection method: clinical testing. Allele origin: germline. Affected: yes. Observed: 3 variant alleles.

Revvity Omics, Revvity
Classification: Pathogenic. Last evaluated: 2024-07-30. Review status: criteria provided, single submitter. Criteria: ACMG Guidelines, 2015. Collection method: clinical testing. Allele origin: germline.

Fulgent Genetics
Classification: Pathogenic for Transient bullous dermolysis of the newborn; Generalized dominant dystrophic epidermolysis bullosa; Pretibial dystrophic epidermolysis bullosa; Dominant dystrophic epidermolysis bullosa with absence of skin; Recessive dystrophic epidermolysis bullosa; Epidermolysis bullosa pruriginosa; Nonsyndromic congenital nail disorder 8. Last evaluated: 2024-03-20. Review status: criteria provided, single submitter. Criteria: ACMG Guidelines, 2015. Collection method: clinical testing. Allele origin: germline.

Women's Health and Genetics/Laboratory Corporation of America, LabCorp
Classification: Pathogenic for COL7A1-Related Disorders. Last evaluated: 2024-02-16. Review status: criteria provided, single submitter. Criteria: LabCorp Variant Classification Summary - May 2015. Collection method: clinical testing. Allele origin: germline.
Comment: Variant summary: COL7A1 c.6527dupC (p.Gly2177TrpfsX113) results in a premature termination codon, predicted to cause a truncation of the encoded protein or absence of the protein due to nonsense mediated decay, which are commonly known mechanisms for disease. The variant allele was found at a frequency of 6.8e-05 in 250676 control chromosomes. c.6527dupC has been reported in the literature in multiple homozygous and compound heterozygous individuals affected with Dystrophic Epidermolysis Bullosa, Recessive with the variant described as a founder mutation of Spanish origin (e.g. Cuadrado-Corrales_2010). These data indicate that the variant is very likely to be associated with disease. To our knowledge, no experimental evidence demonstrating an impact on protein function has been reported. The following publication has been ascertained in the context of this evaluation (PMID: 20920254). ClinVar contains an entry for this variant (Variation ID: 372345). Based on the evidence outlined above, the variant was classified as pathogenic.

Center for Personalized Medicine, Children's Hospital Los Angeles
Classification: Pathogenic. Last evaluated: 2022-12-21. Review status: criteria provided, single submitter. Criteria: ACMG Guidelines, 2015. Collection method: clinical testing. Allele origin: unknown. Affected: yes.

Center for Research in Genodermatoses and Epidermolysis Bullosa, University of Buenos Aires
Classification: Pathogenic for Recessive dystrophic epidermolysis bullosa. Last evaluated: 2022-03-14. Review status: criteria provided, single submitter. Criteria: ACMG Guidelines, 2015. Collection method: clinical testing. Allele origin: germline. Affected: yes. Observed: 19 variant alleles, 16 compound heterozygotes, 3 homozygotes.

Laboratorio de Genetica e Diagnostico Molecular, Hospital Israelita Albert Einstein
Classification: Pathogenic for Recessive dystrophic epidermolysis bullosa; Generalized dominant dystrophic epidermolysis bullosa. Last evaluated: 2022-02-16. Review status: criteria provided, single submitter. Criteria: ACMG Guidelines, 2015. Collection method: clinical testing. Allele origin: germline. Affected: yes.
Comment: ACMG classification criteria: PVS1 very strong, PS3 supporting, PM2 supporting, PM3 moderate

GeneDx
Classification: Pathogenic. Last evaluated: 2021-12-02. Review status: criteria provided, single submitter. Criteria: GeneDx Variant Classification Process June 2021. Collection method: clinical testing. Allele origin: germline. Affected: yes.
Comment: Frameshift variant predicted to result in protein truncation or nonsense mediated decay in a gene for which loss-of-function is a known mechanism of disease; This variant is associated with the following publications: (PMID: 16971478, 21448560, 31001817, 9326325, 20920254, 23947675, 28973459, 31589614, 29242947, 20184583, 29272047)

Ambry Genetics
Classification: Pathogenic for Inborn genetic diseases. Last evaluated: 2019-03-07. Review status: criteria provided, single submitter. Criteria: Ambry exome assertion method (8-5-2015). Collection method: clinical testing. Allele origin: germline. Affected: yes. Observed: 1 variant allele.

Biomedical Innovation Departament, CIEMAT
Classification: Pathogenic for Dystrophic epidermolysis bullosa. Last evaluated: 2019-02-25. Review status: criteria provided, single submitter. Criteria: ACMG Guidelines, 2015. Collection method: research. Allele origin: germline. Affected: yes. Observed: 74 variant alleles.

Knight Diagnostic Laboratories, Oregon Health and Sciences University
Classification: Pathogenic for Recessive dystrophic epidermolysis bullosa. Last evaluated: 2015-12-04. Review status: criteria provided, single submitter. Criteria: ACMG Guidelines, 2015. Collection method: clinical testing. Allele origin: germline. Affected: no. Study: CSER-NextGen.
Comment: The c.6527dupC (p.Gly2177Trpfs*113) frameshift variant in the COL7A1 gene has been previously reported in at least 27 affected individuals with autosomal recessive Dystrophic Epidermolysis Bullosa and is predicted to prematurely truncate the protein. Affected individuals have harbored this frameshift variant in trans with a splice-site variant (7930-1G>C) and several missense variants (G2587D, G2434R, G2366D, G1383R) (Hovnanian et al., 1997; Cuadrado-Corrales et al., 2010; Kern et al. 2006). Loss of functions variants have been described in the COL7A1 gene in several affected individuals (OMIM#: 120120) and are, therefore, a common mechanism of disease. Functional studies have shown gene and protein expression are not detectable when this variant is present (Hovnanian et al., 1997; Cuadrado-Corrales et al., 2010).This c.6527dupC variant is absent from two control population databases (Exome Sequencing Project [ESP] and 1000 Genomes) and present at a low frequency in a third control population database (ExAC = 0.044%). In silico algorithms predict the nucleotide position where this variant occurs is conserved (GERP = 4.53). Therefore, this collective evidence supports the classification of the c.6527dupC (p.Gly2177Trpfs*113) as a recessive Pathogenic variant for Dystrophic Epidermolysis Bullosa.

Literature cited by the submitters: PubMed 16971478 (cited by Labcorp Genetics (formerly Invitae), Labcorp); PubMed 9326325 (cited by 4 submitters); PubMed 20920254 (cited by 3 submitters); PubMed 20184583 (cited by Natera, Inc.); PubMed 35979658 (cited by Center for Research in Genodermatoses and Epidermolysis Bullosa, University of Buenos Aires); PubMed 23947675 (cited by Ambry Genetics).